The following is an entry in ClinVar:

ClinVar aggregate classification (germline): Benign/Likely benign. Review status: criteria provided, multiple submitters, no conflicts (2 of 4 stars). 8 submissions from 8 submitters: Benign (3); Likely benign (5). Last evaluated 2026-01-25.

Conditions:
Cardiovascular phenotype. Identifiers: MedGen CN230736.
Cutis laxa, autosomal recessive, type 1B (ARCL1B). Also called: EFEMP2-Related Cutis Laxa; CUTIS LAXA, AUTOSOMAL RECESSIVE, TYPE IB. Identifiers: Orphanet 90349, MedGen C3280798, MONDO:0013754, OMIM 614437. Disease mechanism: loss of function.

Allele frequency attached by ClinVar (database versions not stated): gnomAD exomes 0.00031 and 0.00091; ExAC 0.00155; ESP Exome Variant Server 0.00333; gnomAD 0.00351 and 0.00375; TOPMed 0.00373; 1000 Genomes Project 30x 0.00390; 1000 Genomes Project 0.00419.

Submissions (8):

Labcorp Genetics (formerly Invitae), Labcorp
Classification: Benign for Cutis laxa, autosomal recessive, type 1B. Last evaluated: 2026-01-25. Review status: criteria provided, single submitter. Criteria: Invitae Variant Classification Sherloc (09022015). Collection method: clinical testing. Allele origin: germline.

CeGaT Center for Human Genetics Tuebingen
Classification: Likely benign. Last evaluated: 2026-01-01. Review status: criteria provided, single submitter. Criteria: CeGaT Center For Human Genetics Tuebingen Variant Classification Criteria Version 2. Collection method: clinical testing. Allele origin: germline. Affected: yes. Observed: 2 variant alleles.
Comment: EFEMP2: BP4, BP7, BS1

Blueprint Genetics
Classification: Likely benign. Last evaluated: 2024-09-23. Review status: criteria provided, single submitter. Criteria: ACMG Guidelines, 2015. Collection method: clinical testing. Allele origin: germline.

Women's Health and Genetics/Laboratory Corporation of America, LabCorp
Classification: Benign. Last evaluated: 2023-08-24. Review status: criteria provided, single submitter. Criteria: LabCorp Variant Classification Summary - May 2015. Collection method: clinical testing. Allele origin: germline.

GeneDx
Classification: Likely benign. Last evaluated: 2021-02-04. Review status: criteria provided, single submitter. Criteria: GeneDx Variant Classification Process June 2021. Collection method: clinical testing. Allele origin: germline. Affected: yes.

Ambry Genetics
Classification: Benign for Cardiovascular phenotype. Last evaluated: 2019-09-24. Review status: criteria provided, single submitter. Criteria: Ambry Variant Classification Scheme 2023. Collection method: clinical testing. Allele origin: germline.

Illumina Laboratory Services, Illumina
Classification: Likely benign for Cutis laxa, autosomal recessive, type 1B. Last evaluated: 2018-01-13. Review status: criteria provided, single submitter. Criteria: ICSL Variant Classification Criteria 13 December 2019. Collection method: clinical testing. Allele origin: germline.
Comment: This variant was observed in the ICSL laboratory as part of a predisposition screen in an ostensibly healthy population. It had not been previously curated by ICSL or reported in the Human Gene Mutation Database (HGMD: prior to June 1st, 2018), and was therefore a candidate for classification through an automated scoring system. Utilizing variant allele frequency, disease prevalence and penetrance estimates, and inheritance mode, an automated score was calculated to assess if this variant is too frequent to cause the disease. Based on the score and internal cut-off values, a variant classified as likely benign is not then subjected to further curation. The score for this variant resulted in a classification of likely benign for this disease.

Breakthrough Genomics
Classification: Likely benign. Review status: criteria provided, single submitter. Criteria: ACMG Guidelines, 2015. Collection method: not provided. Allele origin: germline. Inheritance: Autosomal recessive inheritance. Affected: yes.

NM_016938.5(EFEMP2):c.138C>T (p.Asp46=)

Gene: EFEMP2 (EGF-like fibulin extracellular matrix protein 2; minus strand). Cytogenetic location: 11q13.1.
Variant type: single nucleotide variant.
Coding change: c.138C>T on transcript NM_016938.5 (MANE Select); coding-DNA position 138, C replaced by T.
Protein change: p.Asp46=; no amino-acid change (aspartic acid 46 retained).
Molecular consequence: synonymous variant. On other transcripts: non-coding transcript variant (1).
Genome position (GRCh38, 1-based): chr11:65,871,992, G>A on the plus strand (C>T on the coding strand, the complement: EFEMP2 is on the minus strand). VCF-style: chr11-65871992-G-A. GRCh37 (hg19) VCF-style: chr11-65639463-G-A.
Identifiers: ClinVar variation 472812 (VCV000472812.31), dbSNP rs2234457, ClinGen allele CA6110777.
Genomic context (GRCh38, chr11:65,871,992, plus strand): 5'-GGGTTCCTGGGGGTGTTTGGTCCCCCAGGCACACACACCCCGGCAGTGCTGGCTGTCTGG[G>A]TCCCACTCATAGCCATCTGTGCATTCCTGGAAGGGAACCAGAAGTGGCCAGTGGTCACCC-3'
Protein context (NP_058634.4, residues 36-56): YTECTDGYEW[Asp46=]PDSQHCRDVN